The following is an entry in ClinVar:

ClinVar aggregate classification (germline): Uncertain significance (1 of 4 stars; one submission).

Conditions:
TBX3-related disorder. Also called: TBX3-related condition.

gnomAD v4.1: 4 of 1,590,674 alleles (0.00025%); highest among the groups gnomAD compares: African/African-American, 0.0054%; no homozygotes.

Submission:

PreventionGenetics, part of Exact Sciences
Classification: Uncertain significance for TBX3-related condition. Last evaluated: 2026-05-26. Review status: criteria provided, single submitter. Criteria: ACMG Guidelines, 2015. Collection method: clinical testing. Allele origin: germline.
Comment: The TBX3 c.1348G>A variant is predicted to result in the amino acid substitution p.Gly450Ser. To our knowledge, this variant has not been reported in the literature. This variant is reported in 0.0094% of alleles in individuals of African descent in gnomAD. At this time, the clinical significance of this variant is uncertain due to the absence of conclusive functional and genetic evidence.

NM_005996.4(TBX3):c.1288G>A (p.Gly430Ser)

Gene: TBX3 (T-box transcription factor 3; minus strand). Cytogenetic location: 12q24.21.
Variant type: single nucleotide variant.
Coding change: c.1288G>A on transcript NM_005996.4 (MANE Select); coding-DNA position 1288, G replaced by A.
Protein change: p.Gly430Ser; replaces glycine 430 with serine.
Molecular consequence: missense variant.
Genome position (GRCh38, 1-based): chr12:114,674,587, C>T on the plus strand (G>A on the coding strand, the complement: TBX3 is on the minus strand). VCF-style: chr12-114674587-C-T. GRCh37 (hg19) VCF-style: chr12-115112392-C-T.
Other names: c.1348G>A, p.Gly450Ser (NM_016569.4); short protein forms G430S, G450S.
Identifiers: ClinVar variation 4987253 (VCV004987253.1).